The following is an entry in ClinVar:

ClinVar aggregate classification (germline): Pathogenic. Review status: reviewed by expert panel (3 of 4 stars). 7 submissions from 7 submitters: Pathogenic (1). 6 of the submissions do not count toward it. Last evaluated 2016-09-08.

Conditions:
Hereditary cancer-predisposing syndrome. Also called: Tumor predisposition; Neoplastic Syndromes, Hereditary; Hereditary Cancer Syndrome; Hereditary neoplastic syndrome. Identifiers: Orphanet 140162, MedGen C0027672, MeSH D009386, MONDO:0015356.
Hereditary breast ovarian cancer syndrome. Also called: Hereditary breast and ovarian cancer syndrome (HBOC); Hereditary breast and ovarian cancer syndrome; Hereditary breast and ovarian cancer; Hereditary breast and/or ovarian cancer syndrome; Breast and ovarian cancer; BRCA1- and BRCA2-Associated Hereditary Breast and Ovarian Cancer. Identifiers: Orphanet 145, MedGen C0677776, MeSH D061325, MONDO:0003582. Disease mechanism: loss of function.
Breast-ovarian cancer, familial, susceptibility to, 1 (BROVCA1). Also called: OVARIAN CANCER, SUSCEPTIBILITY TO; BRCA1 Hereditary Breast and Ovarian Cancer. Identifiers: Orphanet 145, MedGen C2676676, MONDO:0011450, OMIM 604370. Disease mechanism: loss of function.

Submissions (7):

Evidence-based Network for the Interpretation of Germline Mutant Alleles (ENIGMA)
Classification: Pathogenic for Breast-ovarian cancer, familial, susceptibility to, 1. Last evaluated: 2016-09-08. Review status: reviewed by expert panel. Criteria: ENIGMA BRCA1/2 Classification Criteria (2015). Collection method: curation. Allele origin: germline.
Comment: Variant allele predicted to encode a truncated non-functional protein.

Labcorp Genetics (formerly Invitae), Labcorp
Classification: Pathogenic for Hereditary breast ovarian cancer syndrome. Last evaluated: 2024-07-09. Review status: criteria provided, single submitter. Criteria: Invitae Variant Classification Sherloc (09022015). Collection method: clinical testing. Allele origin: germline. Not counted in ClinVar's aggregate classification.
Comment: This sequence change creates a premature translational stop signal (p.Glu1038*) in the BRCA1 gene. It is expected to result in an absent or disrupted protein product. Loss-of-function variants in BRCA1 are known to be pathogenic (PMID: 20104584). This variant is not present in population databases (gnomAD no frequency). This premature translational stop signal has been observed in individual(s) with clinical features of hereditary breast and ovarian cancer (PMID: 22652532, 29446198). ClinVar contains an entry for this variant (Variation ID: 37509). For these reasons, this variant has been classified as Pathogenic.

Ambry Genetics
Classification: Pathogenic for Hereditary cancer-predisposing syndrome. Last evaluated: 2022-06-13. Review status: criteria provided, single submitter. Criteria: Ambry Variant Classification Scheme 2023. Collection method: clinical testing. Allele origin: germline. Not counted in ClinVar's aggregate classification.
Comment: The p.E1038* pathogenic mutation (also known as c.3112G>T), located in coding exon 9 of the BRCA1 gene, results from a G to T substitution at nucleotide position 3112. This changes the amino acid from a glutamic acid to a stop codon within coding exon 9. In addition to the clinical data presented in the literature, this alteration is expected to result in loss of function by premature protein truncation or nonsense-mediated mRNA decay. As such, this alteration is interpreted as a disease-causing mutation.

Consortium of Investigators of Modifiers of BRCA1/2 (CIMBA), c/o University of Cambridge
Classification: Pathogenic for Breast-ovarian cancer, familial, susceptibility to, 1. Last evaluated: 2015-10-02. Review status: criteria provided, single submitter. Criteria: CIMBA Mutation Classification guidelines May 2016. Collection method: clinical testing. Allele origin: germline. Not counted in ClinVar's aggregate classification.

Research Molecular Genetics Laboratory, Women's College Hospital, University of Toronto
Classification: Pathogenic for Hereditary breast ovarian cancer syndrome. Last evaluated: 2014-01-31. Review status: no assertion criteria provided. Collection method: research. Allele origin: germline. Affected: yes. Study: The Canadian Open Genetics Repository (COGR). Not counted in ClinVar's aggregate classification.

Sharing Clinical Reports Project (SCRP)
Classification: Pathogenic for Breast-ovarian cancer, familial 1. Last evaluated: 2010-02-03. Review status: no assertion criteria provided. Collection method: clinical testing. Allele origin: germline. Not counted in ClinVar's aggregate classification.

Breast Cancer Information Core (BIC) (BRCA1)
No classification provided. Condition: Breast-ovarian cancer, familial 1. Review status: no classification provided. Collection method: clinical testing. Allele origin: germline. Affected: yes. Observed: 2 variant alleles. Not counted in ClinVar's aggregate classification.

Literature cited by the submitters: PubMed 20104584 (cited by Labcorp Genetics (formerly Invitae), Labcorp); PubMed 22652532 (cited by 3 submitters); PubMed 29446198 (cited by Labcorp Genetics (formerly Invitae), Labcorp).

NM_007294.4(BRCA1):c.3112G>T (p.Glu1038Ter)

Gene: BRCA1 (BRCA1 DNA repair associated; minus strand). Cytogenetic location: 17q21.31.
Variant type: single nucleotide variant.
Coding change: c.3112G>T on transcript NM_007294.4 (MANE Select); coding-DNA position 3112, G replaced by T.
Protein change: p.Glu1038Ter; replaces glutamic acid 1038 with a stop codon.
Molecular consequence: nonsense. On other transcripts: intron variant (137).
Genome position (GRCh38, 1-based): chr17:43,092,419, C>A on the plus strand (G>T on the coding strand, the complement: BRCA1 is on the minus strand). VCF-style: chr17-43092419-C-A. GRCh37 (hg19) VCF-style: chr17-41244436-C-A.
Other names: 3231G>T; c.2899G>T, p.Glu967Ter (NM_001407571.1, NM_001407853.1, NM_001407894.1 and 9 more transcripts); c.3112G>T, p.Glu1038Ter (NM_001407581.1, NM_001407582.1, NM_001407583.1 and 30 more transcripts); c.3109G>T, p.Glu1037Ter (NM_001407587.1, NM_001407590.1, NM_001407591.1 and 22 more transcripts); c.3103G>T, p.Glu1035Ter (NM_001407646.1, NM_001407647.1); c.2989G>T, p.Glu997Ter (NM_001407648.1, NM_001407664.1, NM_001407665.1 and 19 more transcripts); c.2986G>T, p.Glu996Ter (NM_001407649.1, NM_001407670.1, NM_001407671.1 and 11 more transcripts); c.3034G>T, p.Glu1012Ter (NM_001407653.1, NM_001407654.1, NM_001407655.1 and 4 more transcripts); and 42 more; short protein forms E1038*, E991*, E1012*, E1037*, E926*, E949*, E996*, E1035*.
Identifiers: ClinVar variation 37509 (VCV000037509.18), dbSNP rs80357161, ClinGen allele CA002035.